The following is an entry in ClinVar:

ClinVar aggregate classification (germline): Uncertain significance (1 of 4 stars; one submission).

Conditions:
Spastic paraplegia. Identifiers: MedGen C0037772, HP:0001258.

Allele frequency attached by ClinVar (database versions not stated): TOPMed 0.00001; gnomAD exomes 0.00002.
gnomAD v4.1: 26 of 1,209,936 alleles (0.0021%); highest among the groups gnomAD compares: Non-Finnish European, 0.0028%; no homozygotes.

Submission:

Labcorp Genetics (formerly Invitae), Labcorp
Classification: Uncertain significance for Spastic paraplegia. Last evaluated: 2025-07-27. Review status: criteria provided, single submitter. Criteria: Invitae Variant Classification Sherloc (09022015). Collection method: clinical testing. Allele origin: germline.
Comment: This sequence change replaces glycine, which is neutral and non-polar, with aspartic acid, which is acidic and polar, at codon 1506 of the KDM5C protein (p.Gly1506Asp). This variant is not present in population databases (gnomAD no frequency). This variant has not been reported in the literature in individuals affected with KDM5C-related conditions. ClinVar contains an entry for this variant (Variation ID: 658151). Invitae Evidence Modeling of protein sequence and biophysical properties (such as structural, functional, and spatial information, amino acid conservation, physicochemical variation, residue mobility, and thermodynamic stability) indicates that this missense variant is not expected to disrupt KDM5C protein function with a negative predictive value of 95%. Algorithms developed to predict the effect of sequence changes on RNA splicing suggest that this variant may create or strengthen a splice site. In summary, the available evidence is currently insufficient to determine the role of this variant in disease. Therefore, it has been classified as a Variant of Uncertain Significance.

NM_004187.5(KDM5C):c.4517G>A (p.Gly1506Asp)

Gene: KDM5C (lysine demethylase 5C; minus strand). Cytogenetic location: Xp11.22.
Variant type: single nucleotide variant.
Coding change: c.4517G>A on transcript NM_004187.5 (MANE Select); coding-DNA position 4517, G replaced by A.
Protein change: p.Gly1506Asp; replaces glycine 1506 with aspartic acid.
Molecular consequence: missense variant. On other transcripts: intron variant (5).
Genome position (GRCh38, 1-based): chrX:53,193,133, C>T on the plus strand (G>A on the coding strand, the complement: KDM5C is on the minus strand). VCF-style: chrX-53193133-C-T. GRCh37 (hg19) VCF-style: chrX-53222315-C-T.
Other names: c.4514G>A, p.Gly1505Asp (NM_001282622.3); c.4508G>A, p.Gly1503Asp (NM_001353978.3); c.4305+304G>A (NM_001353982.2); c.4314+304G>A (NM_001353979.2); c.4308+304G>A (NM_001353981.2, NM_001353984.2); c.4047-296G>A (NM_001146702.2); short protein forms G1506D, G1503D, G1505D.
Identifiers: ClinVar variation 658151 (VCV000658151.10), dbSNP rs1315455348, ClinGen allele CA413102575.
Genomic context (GRCh38, chrX:53,193,133, plus strand): 5'-AAGCCATTCTGGTTCTCCTGGGTGCTGGGGCTGCCAGTGGTGGGGATGGGTGCAGGGGGG[C>T]CCTCACCCCCAGTCTCCTCCTCCAGCTCTTCCTCCTCCTGGACCTCCTCAGCCTCTGGCC-3'
Protein context (NP_004178.2, residues 1496-1516): EELEEETGGE[Gly1506Asp]PPAPIPTTGS